The following is an entry in ClinVar:

ClinVar aggregate classification (germline): Likely benign (1 of 4 stars; one submission).

Submission:

CeGaT Center for Human Genetics Tuebingen
Classification: Likely benign. Last evaluated: 2024-02-01. Review status: criteria provided, single submitter. Criteria: CeGaT Center For Human Genetics Tuebingen Variant Classification Criteria Version 2. Collection method: clinical testing. Allele origin: germline. Affected: yes. Observed: 1 variant allele.
Comment: GOLGA6B: PP2, BS2

NM_018652.5(GOLGA6B):c.623G>A (p.Arg208Gln)

Gene: GOLGA6B (golgin A6 family member B; plus strand). Cytogenetic location: 15q24.1.
Variant type: single nucleotide variant.
Coding change: c.623G>A on transcript NM_018652.5 (MANE Select); coding-DNA position 623, G replaced by A.
Protein change: p.Arg208Gln; replaces arginine 208 with glutamine.
Molecular consequence: missense variant.
Genome position (GRCh38, 1-based): chr15:72,661,322, G>A. VCF-style: chr15-72661322-G-A. GRCh37 (hg19) VCF-style: chr15-72953663-G-A.
Other names: short protein forms R208Q.
Identifiers: ClinVar variation 3341557 (VCV003341557.16).